The following is an entry in ClinVar:

ClinVar aggregate classification (germline): Uncertain significance. Review status: criteria provided, multiple submitters, no conflicts (2 of 4 stars). 2 submissions from 2 submitters: Uncertain significance (2). Last evaluated 2025-12-23.

Conditions:
Hypertrophic cardiomyopathy. Also called: HYPERTROPHIC MYOCARDIOPATHY. Identifiers: Orphanet 217569, MedGen C0007194, MeSH D002312, MONDO:0005045, HP:0001639.

Allele frequency attached by ClinVar (database versions not stated): gnomAD 0.00001; gnomAD exomes below 0.00001.
gnomAD v4.1: 5 of 1,613,796 alleles (0.00031%); highest among the groups gnomAD compares: Non-Finnish European, 0.00042%; no homozygotes.

Submissions (2):

Labcorp Genetics (formerly Invitae), Labcorp
Classification: Uncertain significance for Hypertrophic cardiomyopathy. Last evaluated: 2025-12-23. Review status: criteria provided, single submitter. Criteria: Invitae Variant Classification Sherloc (09022015). Collection method: clinical testing. Allele origin: germline.
Comment: This sequence change replaces threonine, which is neutral and polar, with isoleucine, which is neutral and non-polar, at codon 431 of the MYOM1 protein (p.Thr431Ile). This variant is present in population databases (no rsID available, gnomAD 0.007%). This variant has not been reported in the literature in individuals affected with MYOM1-related conditions. ClinVar contains an entry for this variant (Variation ID: 1769133). Invitae Evidence Modeling of protein sequence and biophysical properties (such as structural, functional, and spatial information, amino acid conservation, physicochemical variation, residue mobility, and thermodynamic stability) indicates that this missense variant is not expected to disrupt MYOM1 protein function with a negative predictive value of 80%. In summary, the available evidence is currently insufficient to determine the role of this variant in disease. Therefore, it has been classified as a Variant of Uncertain Significance.

Ambry Genetics
Classification: Uncertain significance. Last evaluated: 2022-06-09. Review status: criteria provided, single submitter. Criteria: Ambry Variant Classification Scheme 2023. Collection method: clinical testing. Allele origin: germline.
Comment: The p.T431I variant (also known as c.1292C>T), located in coding exon 8 of the MYOM1 gene, results from a C to T substitution at nucleotide position 1292. The threonine at codon 431 is replaced by isoleucine, an amino acid with similar properties. This amino acid position is conserved. In addition, this alteration is predicted to be tolerated by in silico analysis. Since supporting evidence is limited at this time, the clinical significance of this alteration remains unclear.

NM_003803.4(MYOM1):c.1292C>T (p.Thr431Ile)

Gene: MYOM1 (myomesin 1; minus strand). Cytogenetic location: 18p11.31.
Variant type: single nucleotide variant.
Coding change: c.1292C>T on transcript NM_003803.4 (MANE Select); coding-DNA position 1292, C replaced by T.
Protein change: p.Thr431Ile; replaces threonine 431 with isoleucine.
Molecular consequence: missense variant.
Genome position (GRCh38, 1-based): chr18:3,168,864, G>A on the plus strand (C>T on the coding strand, the complement: MYOM1 is on the minus strand). VCF-style: chr18-3168864-G-A. GRCh37 (hg19) VCF-style: chr18-3168862-G-A.
Other names: c.1292C>T, p.Thr431Ile (NM_019856.2); short protein forms T431I.
Identifiers: ClinVar variation 1769133 (VCV001769133.3), dbSNP rs1379249000, ClinGen allele CA401715204.
Genomic context (GRCh38, chr18:3,168,864, plus strand): 5'-TGTAAAGACTCACCGTTTCTGTACCACTGGATCTCTGGCTGGAAATGTTTAATTTCAGGA[G>A]TGATGACAACACGACAGCCTAGACTCATTGTCTCTCCCTCTCTCCCAAAAGACACATCAA-3'
Protein context (NP_003794.3, residues 421-441): TMSLGCRVVI[Thr431Ile]PEIKHFQPEI